The following is an entry in ClinVar:

NM_001844.5(COL2A1):c.1312G>T (p.Gly438Cys)

Gene: COL2A1 (collagen type II alpha 1 chain; minus strand). Cytogenetic location: 12q13.11.
Variant type: single nucleotide variant.
Coding change: c.1312G>T on transcript NM_001844.5 (MANE Select); coding-DNA position 1312, G replaced by T.
Protein change: p.Gly438Cys; replaces glycine 438 with cysteine.
Molecular consequence: missense variant.
Genome position (GRCh38, 1-based): chr12:47,987,131, C>A on the plus strand (G>T on the coding strand, the complement: COL2A1 is on the minus strand). VCF-style: chr12-47987131-C-A. GRCh37 (hg19) VCF-style: chr12-48380914-C-A.
Other names: c.1105G>T, p.Gly369Cys (NM_033150.3); short protein forms G438C, G369C.
Identifiers: ClinVar variation 1507323 (VCV001507323.7), dbSNP rs2136575877, ClinGen allele CA384553909.

ClinVar aggregate classification (germline): Likely pathogenic. Review status: criteria provided, multiple submitters, no conflicts (2 of 4 stars). 2 submissions from 2 submitters: Likely pathogenic (2). Last evaluated 2021-09-01.

Conditions:
COL2A1-related disorder. Also called: COL2A1-related condition; COL2A1-related disorders.

Submissions (2):

Labcorp Genetics (formerly Invitae), Labcorp
Classification: Likely pathogenic. Last evaluated: 2021-09-01. Review status: criteria provided, single submitter. Criteria: Invitae Variant Classification Sherloc (09022015). Collection method: clinical testing. Allele origin: germline.
Comment: Algorithms developed to predict the effect of sequence changes on RNA splicing suggest that this variant may create or strengthen a splice site. This sequence change replaces glycine with cysteine at codon 438 of the COL2A1 protein (p.Gly438Cys). The glycine residue is highly conserved and there is a large physicochemical difference between glycine and cysteine. This variant is not present in population databases (ExAC no frequency). This variant has not been reported in the literature in individuals affected with COL2A1-related conditions. Advanced modeling of protein sequence and biophysical properties (such as structural, functional, and spatial information, amino acid conservation, physicochemical variation, residue mobility, and thermodynamic stability) performed at Invitae indicates that this missense variant is expected to disrupt COL2A1 protein function. In summary, the currently available evidence indicates that the variant is pathogenic, but additional data are needed to prove that conclusively. Therefore, this variant has been classified as Likely Pathogenic. This variant disrupts the triple helix domain of COL2A1. Glycine residues within the Gly-Xaa-Yaa repeats of the triple helix domain are required for the structure and stability of fibrillar collagens (PMID: 7695699, 8218237, 19344236). In COL2A1, variants affecting these glycine residues are significantly enriched in individuals with disease (PMID: 9016532, 17078022) compared to the general population (ExAC).

Blueprint Genetics
Classification: Likely pathogenic for COL2A1-related disorders. Last evaluated: 2020-03-06. Review status: criteria provided, single submitter. Criteria: ACMG Guidelines, 2015. Collection method: clinical testing. Allele origin: germline. Affected: yes. Observed: 1 variant allele.

Literature cited by the submitters: PubMed 7695699 (cited by Labcorp Genetics (formerly Invitae), Labcorp); PubMed 8218237 (cited by Labcorp Genetics (formerly Invitae), Labcorp); PubMed 19344236 (cited by Labcorp Genetics (formerly Invitae), Labcorp); PubMed 9016532 (cited by Labcorp Genetics (formerly Invitae), Labcorp); PubMed 17078022 (cited by Labcorp Genetics (formerly Invitae), Labcorp).